The following is an entry in ClinVar:

ClinVar aggregate classification (germline): Uncertain significance (1 of 4 stars; one submission).

Submission:

Ambry Genetics
Classification: Uncertain significance. Last evaluated: 2024-11-15. Review status: criteria provided, single submitter. Criteria: Ambry Variant Classification Scheme 2023. Collection method: clinical testing. Allele origin: germline.
Comment: The p.A577S variant (also known as c.1729G>T), located in coding exon 9 of the PALLD gene, results from a G to T substitution at nucleotide position 1729. The alanine at codon 577 is replaced by serine, an amino acid with similar properties. This amino acid position is conserved. In addition, this alteration is predicted to be tolerated by in silico analysis. Based on the available evidence, the clinical significance of this variant remains unclear.

NM_001166108.2(PALLD):c.1729G>T (p.Ala577Ser)

Gene: PALLD (palladin, cytoskeletal associated protein; plus strand). Cytogenetic location: 4q32.3.
Variant type: single nucleotide variant.
Coding change: c.1729G>T on transcript NM_001166108.2 (MANE Select); coding-DNA position 1729, G replaced by T.
Protein change: p.Ala577Ser; replaces alanine 577 with serine.
Molecular consequence: missense variant.
Genome position (GRCh38, 1-based): chr4:168,711,688, G>T. VCF-style: chr4-168711688-G-T. GRCh37 (hg19) VCF-style: chr4-169632839-G-T.
Other names: c.583G>T, p.Ala195Ser (NM_001166109.2); c.1729G>T, p.Ala577Ser (NM_016081.4); short protein forms A195S, A577S.
Identifiers: ClinVar variation 3413662 (VCV003413662.1).
Genomic context (GRCh38, chr4:168,711,688, plus strand): 5'-GACCACTTCCAACACTTTCCACCTCCCCCTCCAATCTTGGAGACAAGTTCCTTGGAGTTG[G>T]CTTCAAAGAAACCATCTGAGATCCAGCAGGTGAACAACCCTGAGTTAGGCCTGAGCAGGG-3'
Protein context (NP_001159580.1, residues 567-587): PILETSSLEL[Ala577Ser]SKKPSEIQQV